The following is an entry in ClinVar:

NM_000637.5(GSR):c.1500G>A (p.Thr500=)

Gene: GSR (glutathione-disulfide reductase; minus strand). Cytogenetic location: 8p12.
Variant type: single nucleotide variant.
Coding change: c.1500G>A on transcript NM_000637.5 (MANE Select); coding-DNA position 1500, G replaced by A.
Protein change: p.Thr500=; no amino-acid change (threonine 500 retained).
Molecular consequence: synonymous variant.
Genome position (GRCh38, 1-based): chr8:30,679,589, C>T on the plus strand (G>A on the coding strand, the complement: GSR is on the minus strand). VCF-style: chr8-30679589-C-T. GRCh37 (hg19) VCF-style: chr8-30537106-C-T.
Other names: c.1413G>A, p.Thr471= (NM_001195102.3); c.1341G>A, p.Thr447= (NM_001195103.3); c.1254G>A, p.Thr418= (NM_001195104.3).
Identifiers: ClinVar variation 771424 (VCV000771424.10), dbSNP rs368833049, ClinGen allele CA4701148.

ClinVar aggregate classification (germline): Benign/Likely benign. Review status: criteria provided, multiple submitters, no conflicts (2 of 4 stars). 3 submissions from 3 submitters: Benign (1); Likely benign (1). 1 of the submissions does not count toward it. Last evaluated 2026-01-20.

Conditions:
Hemolytic anemia due to glutathione reductase deficiency (CNSHA10). Also called: ANEMIA, CONGENITAL, NONSPHEROCYTIC HEMOLYTIC, 10. Identifiers: Orphanet 90030, MedGen C5231513, MONDO:0019531, OMIM 618660.
GSR-related disorder. Also called: GSR-related condition.

Allele frequency attached by ClinVar (database versions not stated): gnomAD 0.00014 and 0.00013; TOPMed 0.00026; ExAC 0.00042; ESP Exome Variant Server 0.00023; gnomAD exomes 0.00049 and 0.00016.
gnomAD v4.1: 252 of 1,613,898 alleles (0.016%); highest among the groups gnomAD compares: Admixed American, 0.18%; no homozygotes.

Submissions (3):

Labcorp Genetics (formerly Invitae), Labcorp
Classification: Benign. Last evaluated: 2026-01-20. Review status: criteria provided, single submitter. Criteria: Invitae Variant Classification Sherloc (09022015). Collection method: clinical testing. Allele origin: germline.

ARUP Laboratories, Molecular Genetics and Genomics, ARUP Laboratories
Classification: Likely benign for Hemolytic anemia due to glutathione reductase deficiency. Last evaluated: 2025-04-15. Review status: criteria provided, single submitter. Criteria: ARUP Molecular Germline Variant Investigation Process 2024. Collection method: clinical testing. Allele origin: germline.

PreventionGenetics, part of Exact Sciences
Classification: Likely benign for GSR-related condition. Last evaluated: 2020-02-19. Review status: no assertion criteria provided. Collection method: clinical testing. Allele origin: germline. Not counted in ClinVar's aggregate classification.
Comment: This variant is classified as likely benign based on ACMG/AMP sequence variant interpretation guidelines (Richards et al. 2015 PMID: 25741868, with internal and published modifications).